The following is an entry in ClinVar:

ClinVar aggregate classification (germline): Uncertain significance (1 of 4 stars; one submission).

Allele frequency attached by ClinVar (database versions not stated): ExAC 0.00007; gnomAD 0.00007.
gnomAD v4.1: 70 of 1,607,458 alleles (0.0044%); highest among the groups gnomAD compares: East Asian, 0.045%; no homozygotes.

Submission:

Labcorp Genetics (formerly Invitae), Labcorp
Classification: Uncertain significance. Last evaluated: 2025-09-21. Review status: criteria provided, single submitter. Criteria: Invitae Variant Classification Sherloc (09022015). Collection method: clinical testing. Allele origin: germline.
Comment: This sequence change falls in intron 3 of the SLC51B gene. It does not directly change the encoded amino acid sequence of the SLC51B protein. It affects a nucleotide within the consensus splice site. This variant is present in population databases (rs776952059, gnomAD 0.07%), and has an allele count higher than expected for a pathogenic variant. This variant has not been reported in the literature in individuals affected with SLC51B-related conditions. ClinVar contains an entry for this variant (Variation ID: 2419637). Variants that disrupt the consensus splice site are a relatively common cause of aberrant splicing (PMID: 17576681, 9536098). Algorithms developed to predict the effect of sequence changes on RNA splicing suggest that this variant may disrupt the consensus splice site. In summary, the available evidence is currently insufficient to determine the role of this variant in disease. Therefore, it has been classified as a Variant of Uncertain Significance.

Literature cited by the submitters: PubMed 17576681; PubMed 9536098.

NM_178859.4(SLC51B):c.189-3C>A

Genes: RASL12 (RAS like family 12; minus strand), SLC51B (SLC51 subunit beta; plus strand). Cytogenetic location: 15q22.31.
Variant type: single nucleotide variant.
Coding change: c.189-3C>A on transcript NM_178859.4 (MANE Select); 3 bases into the intron before coding-DNA position 189, C replaced by A.
Molecular consequence: intron variant.
Genome position (GRCh38, 1-based): chr15:65,052,963, C>A. VCF-style: chr15-65052963-C-A. GRCh37 (hg19) VCF-style: chr15-65345301-C-A.
Identifiers: ClinVar variation 2419637 (VCV002419637.6), dbSNP rs776952059, ClinGen allele CA7613506.